The following is an entry in ClinVar:

NM_001317778.2(SFTPC):c.192C>A (p.His64Gln)

Gene: SFTPC (surfactant protein C; plus strand). Cytogenetic location: 8p21.3.
Variant type: single nucleotide variant.
Coding change: c.192C>A on transcript NM_001317778.2 (MANE Select); coding-DNA position 192, C replaced by A.
Protein change: p.His64Gln; replaces histidine 64 with glutamine.
Molecular consequence: missense variant. On other transcripts: intron variant (2).
Genome position (GRCh38, 1-based): chr8:22,162,723, C>A. VCF-style: chr8-22162723-C-A. GRCh37 (hg19) VCF-style: chr8-22020236-C-A.
Other names: c.192C>A, p.His64Gln (NM_001172357.2, NM_001172410.2, NM_001317780.2 and 8 more transcripts); c.43-357C>A (NM_001385660.1, NM_001317779.2); short protein forms H64Q.
Identifiers: ClinVar variation 3721813 (VCV003721813.2).
Genomic context (GRCh38, chr8:22,162,723, plus strand): 5'-CCTCATCGTCGTGGTGATTGTGGGAGCCCTGCTCATGGGTCTCCACATGAGCCAGAAACA[C>A]ACGGAGATGGTGAGAGGTGTGGGATGCACAGCAGTGGGCACAGGACATGCCAGACAGCGG-3'
Protein context (NP_001304707.1, residues 54-74): LLMGLHMSQK[His64Gln]TEMVLEMSIG

ClinVar aggregate classification (germline): Uncertain significance (1 of 4 stars; one submission).

Submission:

Labcorp Genetics (formerly Invitae), Labcorp
Classification: Uncertain significance. Last evaluated: 2024-09-29. Review status: criteria provided, single submitter. Criteria: Invitae Variant Classification Sherloc (09022015). Collection method: clinical testing. Allele origin: germline.
Comment: This sequence change replaces histidine, which is basic and polar, with glutamine, which is neutral and polar, at codon 64 of the SFTPC protein (p.His64Gln). This variant is not present in population databases (gnomAD no frequency). This variant has not been reported in the literature in individuals affected with SFTPC-related conditions. An algorithm developed to predict the effect of missense changes on protein structure and function (PolyPhen-2) suggests that this variant is likely to be disruptive. This variant disrupts the p.His64 amino acid residue in SFTPC. Other variant(s) that disrupt this residue have been determined to be pathogenic (PMID: 18383112). This suggests that this residue is clinically significant, and that variants that disrupt this residue are likely to be disease-causing. In summary, the available evidence is currently insufficient to determine the role of this variant in disease. Therefore, it has been classified as a Variant of Uncertain Significance.

Literature cited by the submitters: PubMed 18383112.